The following is an entry in ClinVar:

ClinVar aggregate classification (germline): Uncertain significance (1 of 4 stars; one submission).

Conditions:
Hyperphosphatasia with impaired intellectual development syndrome 2. Also called: GLYCOSYLPHOSPHATIDYLINOSITOL BIOSYNTHESIS DEFECT 6; Hyperphosphatasia with intellectual disability syndrome 2. Identifiers: Orphanet 247262, MedGen C3553637, MONDO:0013882, OMIM 614749.

Allele frequency attached by ClinVar (database versions not stated): ExAC 0.00001.
gnomAD v4.1: 1 of 1,614,228 alleles (0.000062%); highest among the groups gnomAD compares: Admixed American, 0.0017%; no homozygotes.

Submission:

Labcorp Genetics (formerly Invitae), Labcorp
Classification: Uncertain significance for Hyperphosphatasia with impaired intellectual development syndrome 2. Last evaluated: 2023-04-12. Review status: criteria provided, single submitter. Criteria: Invitae Variant Classification Sherloc (09022015). Collection method: clinical testing. Allele origin: germline.
Comment: This sequence change replaces alanine, which is neutral and non-polar, with serine, which is neutral and polar, at codon 621 of the PIGO protein (p.Ala621Ser). This variant is present in population databases (rs780889930, gnomAD 0.003%). This variant has not been reported in the literature in individuals affected with PIGO-related conditions. An algorithm developed to predict the effect of missense changes on protein structure and function (PolyPhen-2) suggests that this variant is likely to be tolerated. In summary, the available evidence is currently insufficient to determine the role of this variant in disease. Therefore, it has been classified as a Variant of Uncertain Significance.

NM_032634.4(PIGO):c.1861G>T (p.Ala621Ser)

Gene: PIGO (phosphatidylinositol glycan anchor biosynthesis class O; minus strand). Cytogenetic location: 9p13.3.
Variant type: single nucleotide variant.
Coding change: c.1861G>T on transcript NM_032634.4 (MANE Select); coding-DNA position 1861, G replaced by T.
Protein change: p.Ala621Ser; replaces alanine 621 with serine.
Molecular consequence: missense variant. On other transcripts: intron variant (2).
Genome position (GRCh38, 1-based): chr9:35,092,026, C>A on the plus strand (G>T on the coding strand, the complement: PIGO is on the minus strand). VCF-style: chr9-35092026-C-A. GRCh37 (hg19) VCF-style: chr9-35092023-C-A.
Other names: c.1344+517G>T (NM_152850.4, NM_001201484.2); short protein forms A621S.
Identifiers: ClinVar variation 2870554 (VCV002870554.3), dbSNP rs780889930, ClinGen allele CA5040547.
Genomic context (GRCh38, chr9:35,092,026, plus strand): 5'-AACGATGAAAAAGCCCAGCTAGCCTTGTACATAAAAGCAACCCAATTCCAAGCCTCAGGG[C>A]ATATGCACCATTGTGCCGTGGGGGGTTTGTTGTGGCTGAAGTGCCAAGGCGGGGCATTGT-3'
Protein context (NP_116023.2, residues 611-631): TNPPRHNGAY[Ala621Ser]LRLGIGLLLC